The following is an entry in ClinVar:

NM_000256.3(MYBPC3):c.1602G>A (p.Ala534=)

Gene: MYBPC3 (myosin binding protein C3; minus strand). Cytogenetic location: 11p11.2.
Variant type: single nucleotide variant.
Coding change: c.1602G>A on transcript NM_000256.3 (MANE Select); coding-DNA position 1602, G replaced by A.
Protein change: p.Ala534=; no amino-acid change (alanine 534 retained).
Molecular consequence: synonymous variant.
Genome position (GRCh38, 1-based): chr11:47,342,600, C>T on the plus strand (G>A on the coding strand, the complement: MYBPC3 is on the minus strand). VCF-style: chr11-47342600-C-T. GRCh37 (hg19) VCF-style: chr11-47364151-C-T.
Other names: p.A534A:GCG>GCA.
Identifiers: ClinVar variation 42551 (VCV000042551.24), dbSNP rs370945942, ClinGen allele CA010713.

ClinVar aggregate classification (germline): Benign/Likely benign. Review status: criteria provided, multiple submitters, no conflicts (2 of 4 stars). 10 submissions from 10 submitters: Benign (2); Likely benign (8). Last evaluated 2025-12-14.

Conditions:
MYBPC3-related disorder. Also called: MYBPC3-related disorders; MYBPC3-related condition; MYBPC3-related disease.
Cardiovascular phenotype. Identifiers: MedGen CN230736.
Cardiomyopathy (CMYO). Also called: Cardiomyopathies. Identifiers: Orphanet 167848, MedGen C0878544, MONDO:0004994, HP:0001638. Inheritance: Various modes of inheritance.
Hypertrophic cardiomyopathy. Also called: HYPERTROPHIC MYOCARDIOPATHY. Identifiers: Orphanet 217569, MedGen C0007194, MeSH D002312, MONDO:0005045, HP:0001639.

Allele frequency attached by ClinVar (database versions not stated): ESP Exome Variant Server 0.00008; gnomAD exomes 0.00014 and 0.00004; ExAC 0.00020; gnomAD 0.00025 and 0.00028; TOPMed 0.00041.
gnomAD v4.1: 105 of 1,608,960 alleles (0.0065%); highest among the groups gnomAD compares: African/African-American, 0.081%; no homozygotes.

Submissions (10):

Labcorp Genetics (formerly Invitae), Labcorp
Classification: Benign for Hypertrophic cardiomyopathy. Last evaluated: 2025-12-14. Review status: criteria provided, single submitter. Criteria: Invitae Variant Classification Sherloc (09022015). Collection method: clinical testing. Allele origin: germline.

PreventionGenetics, part of Exact Sciences
Classification: Likely benign for MYBPC3-related condition. Last evaluated: 2025-12-08. Review status: criteria provided, single submitter. Criteria: ACMG Guidelines, 2015. Collection method: clinical testing. Allele origin: germline.
Comment: This variant is classified as likely benign based on ACMG/AMP sequence variant interpretation guidelines (Richards et al. 2015 PMID: 25741868, with internal and published modifications).

Molecular Diagnostic Laboratory for Inherited Cardiovascular Disease, Montreal Heart Institute
Classification: Likely benign. Last evaluated: 2025-04-09. Review status: criteria provided, single submitter. Criteria: ACMG Guidelines, 2015. Collection method: clinical testing. Allele origin: germline. Affected: no.

Blueprint Genetics
Classification: Likely benign. Last evaluated: 2024-10-23. Review status: criteria provided, single submitter. Criteria: ACMG Guidelines, 2015. Collection method: clinical testing. Allele origin: germline.

All of Us Research Program, National Institutes of Health
Classification: Likely benign for Hypertrophic cardiomyopathy. Last evaluated: 2023-12-13. Review status: criteria provided, single submitter. Criteria: ACMG Guidelines, 2015. Collection method: clinical testing. Allele origin: germline. Inheritance: Autosomal dominant inheritance. Observed: 10 variant alleles, 10 heterozygotes.
Comment: This study involves interpretation of variants in research participants for the purpose of population health screening. Participant phenotype was not available at the time of variant classification. Additional details can be found in publication PMID: 35346344, PMCID: PMC8962531

Color Diagnostics, LLC DBA Color Health
Classification: Likely benign for Cardiomyopathy. Last evaluated: 2019-06-10. Review status: criteria provided, single submitter. Criteria: ACMG Guidelines, 2015. Collection method: clinical testing. Allele origin: germline.

Women's Health and Genetics/Laboratory Corporation of America, LabCorp
Classification: Likely benign. Last evaluated: 2017-06-22. Review status: criteria provided, single submitter. Criteria: LabCorp Variant Classification Summary - May 2015. Collection method: clinical testing. Allele origin: germline.
Comment: Variant summary: The MYBPC3 c.1602G>A (p.Ala534Ala) variant involves the alteration of a non-conserved nucleotide, resulting in a synonymous change. One in silico tool predicts a damaging outcome for this variant. 5/5 splice prediction tools predict no significant impact on normal splicing. However, these predictions have yet to be confirmed by functional studies. This variant was found in 21/107376 control chromosomes, predominantly observed in the African subpopulation at a frequency of 0.00143 (13/9094). This frequency is about 1.5 times the estimated maximal expected allele frequency of a pathogenic MYBPC3 variant (0.0010005), suggesting this is likely a benign polymorphism found primarily in the populations of African origin. In addition, multiple clinical diagnostic laboratories/reputable databases classified this variant as likely benign/benign. The variant of interest has not, to our knowledge, been reported in affected individuals via publications nor evaluated for functional impact by in vivo/vitro studies. Taken together, this variant is classified as likely benign.

Ambry Genetics
Classification: Likely benign for Cardiovascular phenotype. Last evaluated: 2016-08-30. Review status: criteria provided, single submitter. Criteria: Ambry Variant Classification Scheme 2023. Collection method: clinical testing. Allele origin: germline.

GeneDx
Classification: Benign. Last evaluated: 2012-04-25. Review status: criteria provided, single submitter. Criteria: GeneDx Variant Classification (06012015). Collection method: clinical testing. Allele origin: germline. Affected: yes.
Comment: This variant is considered likely benign or benign based on one or more of the following criteria: it is a conservative change, it occurs at a poorly conserved position in the protein, it is predicted to be benign by multiple in silico algorithms, and/or has population frequency not consistent with disease.

Laboratory for Molecular Medicine, Mass General Brigham Personalized Medicine
Classification: Likely benign. Last evaluated: 2009-12-14. Review status: criteria provided, single submitter. Criteria: LMM Criteria. Collection method: clinical testing. Allele origin: germline. Observed: 1 variant allele.